The following is an entry in ClinVar:

NM_014043.4(CHMP2B):c.321+1G>A

Gene: CHMP2B (charged multivesicular body protein 2B; plus strand). Cytogenetic location: 3p11.2.
Variant type: single nucleotide variant.
Coding change: c.321+1G>A on transcript NM_014043.4 (MANE Select); the canonical splice donor site of the intron after coding-DNA position 321, G replaced by A.
Molecular consequence: splice donor variant.
Genome position (GRCh38, 1-based): chr3:87,245,909, G>A. VCF-style: chr3-87245909-G-A. GRCh37 (hg19) VCF-style: chr3-87295059-G-A.
Other names: c.417+1G>A (NM_001410777.1); c.198+1G>A (NM_001244644.2).
Identifiers: ClinVar variation 2501825 (VCV002501825.1), dbSNP rs2471764037, ClinGen allele CA353697170.

ClinVar aggregate classification (germline): Uncertain significance (1 of 4 stars; one submission).

Submission:

GeneDx
Classification: Uncertain significance. Last evaluated: 2022-11-08. Review status: criteria provided, single submitter. Criteria: GeneDx Variant Classification Process June 2021. Collection method: clinical testing. Allele origin: germline. Affected: yes.
Comment: Canonical splice site variant expected to result in aberrant splicing, although in the absence of functional evidence the actual effect of this sequence change is unknown.; Not observed at significant frequency in large population cohorts (gnomAD); Has not been previously published as pathogenic or benign to our knowledge